The following is an entry in ClinVar:

NM_058216.3(RAD51C):c.503G>A (p.Arg168Lys)

Gene: RAD51C (RAD51 paralog C; plus strand). Cytogenetic location: 17q22.
Variant type: single nucleotide variant.
Coding change: c.503G>A on transcript NM_058216.3 (MANE Select); coding-DNA position 503, G replaced by A.
Protein change: p.Arg168Lys; replaces arginine 168 with lysine.
Molecular consequence: missense variant.
Genome position (GRCh38, 1-based): chr17:58,696,791, G>A. VCF-style: chr17-58696791-G-A. GRCh37 (hg19) VCF-style: chr17-56774152-G-A.
Other names: short protein forms R168K.
Identifiers: ClinVar variation 2129331 (VCV002129331.4), dbSNP rs1463646629, ClinGen allele CA400344934.

ClinVar aggregate classification (germline): Uncertain significance (1 of 4 stars; one submission).

Conditions:
Fanconi anemia complementation group O. Also called: RAD51C-Related Fanconi Anemia. Identifiers: Orphanet 84, MedGen C3150653, MONDO:0013248, OMIM 613390.

Allele frequency attached by ClinVar (database versions not stated): gnomAD exomes below 0.00001.

Submission:

Labcorp Genetics (formerly Invitae), Labcorp
Classification: Uncertain significance for Fanconi anemia complementation group O. Last evaluated: 2022-04-22. Review status: criteria provided, single submitter. Criteria: Invitae Variant Classification Sherloc (09022015). Collection method: clinical testing. Allele origin: germline.
Comment: Algorithms developed to predict the effect of missense changes on protein structure and function (SIFT, PolyPhen-2, Align-GVGD) all suggest that this variant is likely to be disruptive. This variant has not been reported in the literature in individuals affected with RAD51C-related conditions. This variant is present in population databases (no rsID available, gnomAD 0.003%). This sequence change replaces arginine, which is basic and polar, with lysine, which is basic and polar, at codon 168 of the RAD51C protein (p.Arg168Lys). In summary, the available evidence is currently insufficient to determine the role of this variant in disease. Therefore, it has been classified as a Variant of Uncertain Significance.